The following is an entry in ClinVar:

NM_032802.4(SPPL2A):c.1187C>T (p.Ser396Leu)

Gene: SPPL2A (signal peptide peptidase like 2A; minus strand). Cytogenetic location: 15q21.2.
Variant type: single nucleotide variant.
Coding change: c.1187C>T on transcript NM_032802.4 (MANE Select); coding-DNA position 1187, C replaced by T.
Protein change: p.Ser396Leu; replaces serine 396 with leucine.
Molecular consequence: missense variant.
Genome position (GRCh38, 1-based): chr15:50,725,283, G>A on the plus strand (C>T on the coding strand, the complement: SPPL2A is on the minus strand). VCF-style: chr15-50725283-G-A. GRCh37 (hg19) VCF-style: chr15-51017480-G-A.
Other names: short protein forms S396L.
Identifiers: ClinVar variation 2828018 (VCV002828018.3), dbSNP rs2542806826, ClinGen allele CA392408814.

ClinVar aggregate classification (germline): Uncertain significance (1 of 4 stars; one submission).

Allele frequency attached by ClinVar (database versions not stated): gnomAD exomes below 0.00001.
gnomAD v4.1: 1 of 1,608,282 alleles (0.000062%); highest among the groups gnomAD compares: Non-Finnish European, 0.000085%; no homozygotes.

Submission:

Labcorp Genetics (formerly Invitae), Labcorp
Classification: Uncertain significance. Last evaluated: 2024-11-16. Review status: criteria provided, single submitter. Criteria: Invitae Variant Classification Sherloc (09022015). Collection method: clinical testing. Allele origin: germline.
Comment: This sequence change replaces serine, which is neutral and polar, with leucine, which is neutral and non-polar, at codon 396 of the SPPL2A protein (p.Ser396Leu). This variant is not present in population databases (gnomAD no frequency). This variant has not been reported in the literature in individuals affected with SPPL2A-related conditions. ClinVar contains an entry for this variant (Variation ID: 2828018). An algorithm developed to predict the effect of missense changes on protein structure and function (PolyPhen-2) suggests that this variant is likely to be disruptive. Algorithms developed to predict the effect of sequence changes on RNA splicing suggest that this variant may disrupt the consensus splice site. In summary, the available evidence is currently insufficient to determine the role of this variant in disease. Therefore, it has been classified as a Variant of Uncertain Significance.